The following is an entry in ClinVar:

ClinVar aggregate classification (germline): Uncertain significance (1 of 4 stars; one submission).

gnomAD v4.1: 16 of 1,552,172 alleles (0.001%); highest among the groups gnomAD compares: Non-Finnish European, 0.0013%; no homozygotes.

Submission:

Labcorp Genetics (formerly Invitae), Labcorp
Classification: Uncertain significance. Last evaluated: 2025-10-04. Review status: criteria provided, single submitter. Criteria: Invitae Variant Classification Sherloc (09022015). Collection method: clinical testing. Allele origin: germline.
Comment: This sequence change falls in intron 16 of the IL6ST gene. It does not directly change the encoded amino acid sequence of the IL6ST protein. It affects a nucleotide within the consensus splice site. This variant is present in population databases (rs778124697, gnomAD 0.002%). This variant has not been reported in the literature in individuals affected with IL6ST-related conditions. Variants that disrupt the consensus splice site are a relatively common cause of aberrant splicing (PMID: 17576681, 9536098). Algorithms developed to predict the effect of sequence changes on RNA splicing suggest that this variant is not likely to affect RNA splicing. In summary, the available evidence is currently insufficient to determine the role of this variant in disease. Therefore, it has been classified as a Variant of Uncertain Significance.

Literature cited by the submitters: PubMed 17576681; PubMed 9536098.

NM_002184.4(IL6ST):c.2019+4A>C

Gene: IL6ST (interleukin 6 cytokine family signal transducer; minus strand). Cytogenetic location: 5q11.2.
Variant type: single nucleotide variant.
Coding change: c.2019+4A>C on transcript NM_002184.4 (MANE Select); 4 bases into the intron after coding-DNA position 2019, A replaced by C.
Molecular consequence: intron variant.
Genome position (GRCh38, 1-based): chr5:55,942,666, T>G on the plus strand (A>C on the coding strand, the complement: IL6ST is on the minus strand). VCF-style: chr5-55942666-T-G. GRCh37 (hg19) VCF-style: chr5-55238494-T-G.
Other names: c.1809+4A>C (NM_001364276.2); c.1023+4A>C (NM_001364279.2); c.1116+4A>C (NM_001364278.2); c.1152+4A>C (NM_001364277.2); c.*946+4A>C (NM_175767.3); c.1836+4A>C (NM_001190981.2); c.1917+4A>C (NM_001364275.2).
Identifiers: ClinVar variation 4811647 (VCV004811647.1).